The following is an entry in ClinVar:

NM_000238.4(KCNH2):c.460T>C (p.Trp154Arg)

Gene: KCNH2 (potassium voltage-gated channel subfamily H member 2; minus strand). Cytogenetic location: 7q36.1.
Variant type: single nucleotide variant.
Coding change: c.460T>C on transcript NM_000238.4 (MANE Select); coding-DNA position 460, T replaced by C.
Protein change: p.Trp154Arg; replaces tryptophan 154 with arginine.
Molecular consequence: missense variant.
Genome position (GRCh38, 1-based): chr7:150,959,584, A>G on the plus strand (T>C on the coding strand, the complement: KCNH2 is on the minus strand). VCF-style: chr7-150959584-A-G. GRCh37 (hg19) VCF-style: chr7-150656672-A-G.
Other names: c.460T>C (NM_000238.2); c.172T>C, p.Trp58Arg (NM_001406753.1, NM_001406756.1); c.283T>C, p.Trp95Arg (NM_001406755.1); c.160T>C, p.Trp54Arg (NM_001406757.1); c.460T>C, p.Trp154Arg (NM_172056.3); short protein forms W154R, W58R, W54R, W95R.
Identifiers: ClinVar variation 628868 (VCV000628868.13), dbSNP rs747591865, ClinGen allele CA039597.

ClinVar aggregate classification (germline): Uncertain significance. Review status: criteria provided, multiple submitters, no conflicts (2 of 4 stars). 4 submissions from 4 submitters: Uncertain significance (4). Last evaluated 2025-08-13.

Conditions:
Long QT syndrome (LQTS). Identifiers: MedGen C0023976, MeSH D008133, MONDO:0002442. Disease mechanism: loss of function. Inheritance: Various modes of inheritance.
Cardiac arrhythmia. Also called: Arrhythmia; Cardiac rhythm disease. Identifiers: MedGen C0003811, MONDO:0007263, HP:0011675.

Allele frequency attached by ClinVar (database versions not stated): gnomAD exomes below 0.00001; TOPMed below 0.00001; ExAC 0.00001.

Submissions (4):

Labcorp Genetics (formerly Invitae), Labcorp
Classification: Uncertain significance for Long QT syndrome. Last evaluated: 2025-08-13. Review status: criteria provided, single submitter. Criteria: Invitae Variant Classification Sherloc (09022015). Collection method: clinical testing. Allele origin: germline.
Comment: This sequence change replaces tryptophan, which is neutral and slightly polar, with arginine, which is basic and polar, at codon 154 of the KCNH2 protein (p.Trp154Arg). This variant is present in population databases (rs747591865, gnomAD 0.0009%). This variant has not been reported in the literature in individuals affected with KCNH2-related conditions. ClinVar contains an entry for this variant (Variation ID: 628868). An algorithm developed to predict the effect of missense changes on protein structure and function (PolyPhen-2) suggests that this variant is likely to be tolerated. In summary, the available evidence is currently insufficient to determine the role of this variant in disease. Therefore, it has been classified as a Variant of Uncertain Significance.

GeneDx
Classification: Uncertain significance. Last evaluated: 2025-03-20. Review status: criteria provided, single submitter. Criteria: GeneDx Variant Classification Process June 2021. Collection method: clinical testing. Allele origin: germline. Affected: yes.
Comment: Not observed at significant frequency in large population cohorts (gnomAD); In silico analysis supports that this missense variant has a deleterious effect on protein structure/function; Has not been previously published as pathogenic or benign to our knowledge

Color Diagnostics, LLC DBA Color Health
Classification: Uncertain significance for Cardiac arrhythmia. Last evaluated: 2024-03-06. Review status: criteria provided, single submitter. Criteria: ACMG Guidelines, 2015. Collection method: clinical testing. Allele origin: germline.
Comment: This missense variant replaces tryptophan with arginine at codon 154 of the KCNH2 protein. Computational prediction is inconclusive regarding the impact of this variant on protein structure and function (internally defined REVEL score threshold 0.5 < inconclusive < 0.7, PMID: 27666373). To our knowledge, functional studies have not been reported for this variant. This variant has not been reported in individuals affected with KCNH2-related disorders in the literature. This variant has been identified in 1/250606 chromosomes in the general population by the Genome Aggregation Database (gnomAD). The available evidence is insufficient to determine the role of this variant in disease conclusively. Therefore, this variant is classified as a Variant of Uncertain Significance.

All of Us Research Program, National Institutes of Health
Classification: Uncertain significance for Long QT syndrome. Last evaluated: 2023-08-15. Review status: criteria provided, single submitter. Criteria: ACMG Guidelines, 2015. Collection method: clinical testing. Allele origin: germline. Inheritance: Autosomal dominant inheritance. Observed: 1 variant allele, 1 heterozygote.
Comment: Variant of Uncertain Significance due to insufficient evidence: This missense variant is located in the cytoplasmic domain of the KCNH2 protein. Computational prediction tools and conservation analyses suggest that this variant may have deleterious impact on the protein function. Computational splicing tools suggest that this variant may not impact the RNA splicing. To our knowledge, functional assays have not been performed for this variant nor has this variant been reported in individuals affected with cardiovascular disorders in the literature. This variant is rare in the general population and has been identified in 1/245458 chromosomes by the Genome Aggregation Database (gnomAD). Available evidence is insufficient to determine the pathogenicity of this variant conclusively.

This study involves interpretation of variants in research participants for the purpose of population health screening. Participant phenotype was not available at the time of variant classification. Additional details can be found in publication PMID: 35346344, PMCID: PMC8962531